The following is an entry in ClinVar:

NM_001142800.2(EYS):c.6571+1G>A

Gene: EYS (EGF-like photoreceptor maintenance factor; minus strand). Cytogenetic location: 6q12.
Variant type: single nucleotide variant.
Coding change: c.6571+1G>A on transcript NM_001142800.2 (MANE Select); the canonical splice donor site of the intron after coding-DNA position 6571, G replaced by A.
Molecular consequence: splice donor variant.
Genome position (GRCh38, 1-based): chr6:64,081,855, C>T on the plus strand (G>A on the coding strand, the complement: EYS is on the minus strand). VCF-style: chr6-64081855-C-T. GRCh37 (hg19) VCF-style: chr6-64791748-C-T.
Other names: c.6571+1G>A (NM_001292009.2).
Identifiers: ClinVar variation 854334 (VCV000854334.14), dbSNP rs1193854376, ClinGen allele CA364390725.

ClinVar aggregate classification (germline): Pathogenic/Likely pathogenic. Review status: criteria provided, multiple submitters, no conflicts (2 of 4 stars). 7 submissions from 7 submitters: Pathogenic (2); Likely pathogenic (5). Last evaluated 2024-03-16.

Conditions:
Retinitis pigmentosa (RP). Identifiers: Orphanet 791, MedGen C0035334, MeSH D012174, MONDO:0019200, OMIM 268000. Inheritance: Autosomal dominant, autosomal recessive and X linked inheritance.
Retinitis pigmentosa 25 (RP25). Identifiers: Orphanet 791, MedGen C1864446, MONDO:0011272, OMIM 602772.
EYS-related disorder. Also called: EYS-related condition.

Allele frequency attached by ClinVar (database versions not stated): gnomAD exomes below 0.00001 and 0.00001; TOPMed below 0.00001.
gnomAD v4.1: 4 of 1,510,926 alleles (0.00026%); highest among the groups gnomAD compares: Non-Finnish European, 0.00036%; no homozygotes.

Submissions (7):

GeneDx
Classification: Pathogenic. Last evaluated: 2024-03-16. Review status: criteria provided, single submitter. Criteria: GeneDx Variant Classification Process June 2021. Collection method: clinical testing. Allele origin: germline. Affected: yes.
Comment: Canonical splice site variant predicted to result in a null allele in a gene for which loss of function is a known mechanism of disease; Not observed at significant frequency in large population cohorts (gnomAD); This variant is associated with the following publications: (PMID: 23591405, 34906470, 31964843, 32531858, 36460718)

Baylor Genetics
Classification: Pathogenic for Retinitis pigmentosa 25. Last evaluated: 2024-02-07. Review status: criteria provided, single submitter. Criteria: ACMG Guidelines, 2015. Collection method: clinical testing. Allele origin: unknown.

Fulgent Genetics
Classification: Likely pathogenic for Retinitis pigmentosa 25. Last evaluated: 2024-01-25. Review status: criteria provided, single submitter. Criteria: ACMG Guidelines, 2015. Collection method: clinical testing. Allele origin: germline.

Blueprint Genetics
Classification: Likely pathogenic for EYS-related disorders. Last evaluated: 2023-10-16. Review status: criteria provided, single submitter. Criteria: ACMG Guidelines, 2015. Collection method: clinical testing. Allele origin: germline. Affected: yes. Observed: 1 variant allele.

Labcorp Genetics (formerly Invitae), Labcorp
Classification: Likely pathogenic. Last evaluated: 2021-11-08. Review status: criteria provided, single submitter. Criteria: Invitae Variant Classification Sherloc (09022015). Collection method: clinical testing. Allele origin: germline.
Comment: This sequence change affects a donor splice site in intron 32 of the EYS gene. It is expected to disrupt RNA splicing. Variants that disrupt the donor or acceptor splice site typically lead to a loss of protein function (PMID: 16199547), and loss-of-function variants in EYS are known to be pathogenic (PMID: 18836446, 20333770). This variant is present in population databases (no rsID available, gnomAD 0.002%). In summary, the currently available evidence indicates that the variant is pathogenic, but additional data are needed to prove that conclusively. Therefore, this variant has been classified as Likely Pathogenic. Algorithms developed to predict the effect of sequence changes on RNA splicing suggest that this variant may disrupt the consensus splice site. ClinVar contains an entry for this variant (Variation ID: 854334). Disruption of this splice site has been observed in individual(s) with retinitis pigmentosa (PMID: 23591405).

Ocular Genomics Institute, Massachusetts Eye and Ear
Classification: Likely pathogenic for Retinitis pigmentosa 25. Last evaluated: 2021-04-08. Review status: criteria provided, single submitter. Criteria: ACMG Guidelines, 2015. Collection method: research. Allele origin: germline. Affected: yes.
Comment: Through a review of available evidence we were able to apply the following criteria: PVS1, PM2. Based on this evidence we have classified this variant as Likely Pathogenic.

Broad Center for Mendelian Genomics, Broad Institute of MIT and Harvard
Classification: Likely pathogenic for Retinitis pigmentosa. Last evaluated: 2021-04-01. Review status: criteria provided, single submitter. Criteria: ACMG Guidelines, 2015. Collection method: curation. Allele origin: germline. Inheritance: Autosomal recessive inheritance. Affected: yes.
Comment: Through a review of available evidence we were able to apply the following criteria: PSV1, PM2. Based on this evidence we have classified this variant as Likely Pathogenic. If you have any questions about the classification please reach out to the Pierce Lab.

Literature cited by the submitters: PubMed 16199547 (cited by Labcorp Genetics (formerly Invitae), Labcorp); PubMed 18836446 (cited by 3 submitters); PubMed 20333770 (cited by 3 submitters); PubMed 23591405 (cited by 3 submitters); PubMed 34906470 (cited by Broad Center for Mendelian Genomics, Broad Institute of MIT and Harvard).